The following is an entry in ClinVar:

ClinVar aggregate classification (germline): Conflicting classifications of pathogenicity. Review status: criteria provided, conflicting classifications (1 of 4 stars). 6 submissions from 6 submitters: Uncertain significance (3); Benign (1). 2 of the submissions do not count toward it. Last evaluated 2025-11-09.

Conditions:
DNAH5-related disorder. Also called: DNAH5-related condition.
Primary ciliary dyskinesia. Also called: Ciliary dyskinesia. Identifiers: Orphanet 244, MedGen C0008780, MONDO:0016575, HP:0012265.

Allele frequency attached by ClinVar (database versions not stated): gnomAD exomes 0.00004 and 0.00012; TOPMed 0.00005; gnomAD 0.00006; ExAC 0.00007; ESP Exome Variant Server 0.00008.
gnomAD v4.1: 68 of 1,613,856 alleles (0.0042%); highest among the groups gnomAD compares: Admixed American, 0.025%; no homozygotes.

Submissions (6):

Labcorp Genetics (formerly Invitae), Labcorp
Classification: Benign for Primary ciliary dyskinesia. Last evaluated: 2025-11-09. Review status: criteria provided, single submitter. Criteria: Invitae Variant Classification Sherloc (09022015). Collection method: clinical testing. Allele origin: germline.

GeneDx
Classification: Uncertain significance. Last evaluated: 2024-03-08. Review status: criteria provided, single submitter. Criteria: GeneDx Variant Classification Process June 2021. Collection method: clinical testing. Allele origin: germline. Affected: yes.
Comment: In silico analysis supports that this missense variant has a deleterious effect on protein structure/function; Has not been previously published as pathogenic or benign to our knowledge

CeGaT Center for Human Genetics Tuebingen
Classification: Uncertain significance. Last evaluated: 2022-06-01. Review status: criteria provided, single submitter. Criteria: CeGaT Center For Human Genetics Tuebingen Variant Classification Criteria Version 2. Collection method: clinical testing. Allele origin: germline. Affected: yes. Observed: 1 variant allele.
Comment: DNAH5: PM2, BP4

Ambry Genetics
Classification: Uncertain significance for Primary ciliary dyskinesia. Last evaluated: 2021-10-29. Review status: criteria provided, single submitter. Criteria: Ambry Variant Classification Scheme 2023. Collection method: clinical testing. Allele origin: germline.
Comment: The p.S211L variant (also known as c.632C>T), located in coding exon 5 of the DNAH5 gene, results from a C to T substitution at nucleotide position 632. The serine at codon 211 is replaced by leucine, an amino acid with dissimilar properties. This amino acid position is conserved. In addition, this alteration is predicted to be tolerated by in silico analysis. Since supporting evidence is limited at this time, the clinical significance of this alteration remains unclear.

PreventionGenetics, part of Exact Sciences
Classification: Uncertain significance for DNAH5-related condition. Last evaluated: 2024-05-02. Review status: no assertion criteria provided. Collection method: clinical testing. Allele origin: germline. Not counted in ClinVar's aggregate classification.
Comment: The DNAH5 c.632C>T variant is predicted to result in the amino acid substitution p.Ser211Leu. To our knowledge, this variant has not been reported in the literature. This variant is reported in 0.040% of alleles in individuals of Latino descent in gnomAD. At this time, the clinical significance of this variant is uncertain due to the absence of conclusive functional and genetic evidence.

Natera, Inc.
Classification: Uncertain significance for Primary ciliary dyskinesia. Last evaluated: 2019-10-28. Review status: no assertion criteria provided. Collection method: clinical testing. Allele origin: germline. Not counted in ClinVar's aggregate classification.

NM_001369.3(DNAH5):c.632C>T (p.Ser211Leu)

Gene: DNAH5 (dynein axonemal heavy chain 5; minus strand). Cytogenetic location: 5p15.2.
Variant type: single nucleotide variant.
Coding change: c.632C>T on transcript NM_001369.3 (MANE Select); coding-DNA position 632, C replaced by T.
Protein change: p.Ser211Leu; replaces serine 211 with leucine.
Molecular consequence: missense variant.
Genome position (GRCh38, 1-based): chr5:13,922,135, G>A on the plus strand (C>T on the coding strand, the complement: DNAH5 is on the minus strand). VCF-style: chr5-13922135-G-A. GRCh37 (hg19) VCF-style: chr5-13922244-G-A.
Other names: short protein forms S211L.
Identifiers: ClinVar variation 570850 (VCV000570850.37), dbSNP rs139857637, ClinGen allele CA3205142.
Genomic context (GRCh38, chr5:13,922,135, plus strand): 5'-CATTTTTAAAGGAACAGCTTATTCGTCCTCACCTTCTCCTTCAGACTCTCCTGTGCACCC[G>A]ACAGGACGTTCACAAAGCCTTCCAGGGAGCTCAAGAACTCCTGGCGAATGTTAGCTGCGT-3'
Protein context (NP_001360.1, residues 201-221): SSLEGFVNVL[Ser211Leu]GAQESLKEKV